The following is an entry in ClinVar:

ClinVar aggregate classification (germline): Pathogenic (1 of 4 stars; one submission).

Submission:

ISCA site 4
Classification: Pathogenic. Last evaluated: 2011-08-12. Review status: criteria provided, single submitter. Criteria: Kaminsky et al. (Genet Med. 2011). Collection method: clinical testing. Allele origin: unknown. Affected: yes. Observed: 1 variant allele.
Comment: Copy number variation identified through the course of routine clinical cytogenomic testing in postnatal populations. Clinical assertions have been curated as described in Kaminsky et al. 2011.

GRCh38/hg38 Xq27.3-28(chrX:146896288-149621145)x1

Genes: AFF2 (ALF transcription elongation factor 2; plus strand), EOLA1 (endothelium and lymphocyte associated ASCH domain 1; plus strand), EOLA1-DT (EOLA1 divergent transcript; minus strand), FMR1 (fragile X messenger ribonucleoprotein 1; plus strand), FMR1-AS1 (FMR1 antisense RNA 1; minus strand) and 49 more. Cytogenetic location: Xq27.3-28.
Variant type: copy number loss.
Change: copy number 1 of chrX:146,896,288-149,621,145 (2.72 Mb, GRCh38 coordinates, 1-based), cytogenetic band Xq27.3-28.
Identifiers: ClinVar variation 57038 (VCV000057038.1).